The following is an entry in ClinVar:

ClinVar aggregate classification (germline): Likely pathogenic. Review status: criteria provided, multiple submitters, no conflicts (2 of 4 stars). 2 submissions from 2 submitters: Likely pathogenic (2). Last evaluated 2026-03-21.

Conditions:
Ullrich congenital muscular dystrophy 1A. Also called: Intermediate COL6-RD; Ullrich congenital muscular dystrophy 1. Identifiers: Orphanet 75840, MedGen C0410179, MONDO:0009681, OMIM 254090.

Allele frequency attached by ClinVar (database versions not stated): TOPMed 0.00001; gnomAD 0.00001; gnomAD exomes 0.00001.

Submissions (2):

GeneDx
Classification: Likely pathogenic. Last evaluated: 2026-03-21. Review status: criteria provided, single submitter. Criteria: GeneDx Variant Classification Process June 2021. Collection method: clinical testing. Allele origin: germline.
Comment: Replaces the glycine in the canonical Gly-X-Y repeat of the triple helical domain and is expected to disrupt normal protein folding and function, which is an established mechanism of disease (HGMD); Not observed at significant frequency in large population cohorts (gnomAD); In silico analysis supports that this missense variant has a deleterious effect on protein structure/function; Has not been previously published as pathogenic or benign to our knowledge; This variant is associated with the following publications: (PMID: 18825676)

Institute of Human Genetics, University of Leipzig Medical Center
Classification: Likely pathogenic for Ullrich congenital muscular dystrophy 1A. Last evaluated: 2021-03-29. Review status: criteria provided, single submitter. Criteria: ACMG Guidelines, 2015. Collection method: clinical testing. Allele origin: unknown. Affected: yes.
Comment: This variant was identified as de novo (maternity and paternity confirmed).

NM_001849.4(COL6A2):c.982G>A (p.Gly328Arg)

Gene: COL6A2 (collagen type VI alpha 2 chain; plus strand). Cytogenetic location: 21q22.3.
Variant type: single nucleotide variant.
Coding change: c.982G>A on transcript NM_001849.4 (MANE Select); coding-DNA position 982, G replaced by A.
Protein change: p.Gly328Arg; replaces glycine 328 with arginine.
Molecular consequence: missense variant.
Genome position (GRCh38, 1-based): chr21:46,116,797, G>A. VCF-style: chr21-46116797-G-A. GRCh37 (hg19) VCF-style: chr21-47536711-G-A.
Other names: c.982G>A, p.Gly328Arg (NM_058174.3, NM_058175.3); c.982G>A (NM_001849.3); short protein forms G328R.
Identifiers: ClinVar variation 1285560 (VCV001285560.3), dbSNP rs779867653, ClinGen allele CA321963358.